The following is an entry in ClinVar:

NM_002350.4(LYN):c.248C>G (p.Ser83Cys)

Gene: LYN (LYN proto-oncogene, Src family tyrosine kinase; plus strand). Cytogenetic location: 8q12.1.
Variant type: single nucleotide variant.
Coding change: c.248C>G on transcript NM_002350.4 (MANE Select); coding-DNA position 248, C replaced by G.
Protein change: p.Ser83Cys; replaces serine 83 with cysteine.
Molecular consequence: missense variant.
Genome position (GRCh38, 1-based): chr8:55,947,687, C>G. VCF-style: chr8-55947687-C-G. GRCh37 (hg19) VCF-style: chr8-56860246-C-G.
Other names: c.185C>G, p.Ser62Cys (NM_001111097.3); short protein forms S83C, S62C.
Identifiers: ClinVar variation 2957727 (VCV002957727.3), dbSNP rs1314809224, ClinGen allele CA371279165.

ClinVar aggregate classification (germline): Uncertain significance (1 of 4 stars; one submission).

Allele frequency attached by ClinVar (database versions not stated): TOPMed below 0.00001; gnomAD 0.00001; gnomAD exomes 0.00001.
gnomAD v4.1: 14 of 1,613,878 alleles (0.00087%); highest among the groups gnomAD compares: South Asian, 0.0044%; no homozygotes.

Submission:

Labcorp Genetics (formerly Invitae), Labcorp
Classification: Uncertain significance. Last evaluated: 2023-03-06. Review status: criteria provided, single submitter. Criteria: Invitae Variant Classification Sherloc (09022015). Collection method: clinical testing. Allele origin: germline.
Comment: In summary, the available evidence is currently insufficient to determine the role of this variant in disease. Therefore, it has been classified as a Variant of Uncertain Significance. This sequence change replaces serine, which is neutral and polar, with cysteine, which is neutral and slightly polar, at codon 83 of the LYN protein (p.Ser83Cys). This variant is present in population databases (no rsID available, gnomAD 0.003%). This variant has not been reported in the literature in individuals affected with LYN-related conditions. An algorithm developed to predict the effect of missense changes on protein structure and function (PolyPhen-2) suggests that this variant is likely to be disruptive.